The following is an entry in ClinVar:

ClinVar aggregate classification (germline): Uncertain significance (1 of 4 stars; one submission).

Conditions:
Glycogen storage disease type III (GSD3). Also called: FORBES DISEASE; Cori disease. Identifiers: Orphanet 366, MedGen C0017922, MONDO:0009291, OMIM 232400.

Allele frequency attached by ClinVar (database versions not stated): gnomAD 0.00001.

Submission:

Labcorp Genetics (formerly Invitae), Labcorp
Classification: Uncertain significance for Glycogen storage disease type III. Last evaluated: 2021-05-08. Review status: criteria provided, single submitter. Criteria: Invitae Variant Classification Sherloc (09022015). Collection method: clinical testing. Allele origin: germline.
Comment: This sequence change falls in intron 10 of the AGL gene. It does not directly change the encoded amino acid sequence of the AGL protein. It affects a nucleotide within the consensus splice site of the intron. This variant is not present in population databases (ExAC no frequency). This variant has not been reported in the literature in individuals with AGL-related conditions. Nucleotide substitutions within the consensus splice site are a relatively common cause of aberrant splicing (PMID: 17576681, 9536098). Algorithms developed to predict the effect of sequence changes on RNA splicing suggest that this variant may disrupt the consensus splice site, but this prediction has not been confirmed by published transcriptional studies. In summary, the available evidence is currently insufficient to determine the role of this variant in disease. Therefore, it has been classified as a Variant of Uncertain Significance.

Literature cited by the submitters: PubMed 17576681; PubMed 9536098.

NM_000642.3(AGL):c.1283+5_1283+6insA

Gene: AGL (amylo-alpha-1,6-glucosidase and 4-alpha-glucanotransferase; plus strand). Cytogenetic location: 1p21.2.
Variant type: Insertion.
Coding change: c.1283+5_1283+6insA on transcript NM_000642.3 (MANE Select); bases 5 to 6 of the intron after coding-DNA position 1283, A inserted.
Molecular consequence: intron variant.
Genome position: GRCh38 VCF-style: chr1-99875460-T-TA. GRCh37 (hg19) VCF-style: chr1-100341016-T-TA.
Other names: c.1283+5_1283+6insA (NM_000028.3, NM_000643.3, NM_000644.3 and 2 more transcripts); c.1079+5_1079+6insA (NM_001425329.1, NM_001425328.1); c.905+5_905+6insA (NM_001425332.1); c.1235+5_1235+6insA (NM_000646.3); c.1082+650_1082+651insA (NM_001425327.1).
Identifiers: ClinVar variation 1513500 (VCV001513500.3), dbSNP rs1651444028, ClinGen allele CA1004949954.